The following is an entry in ClinVar:

NM_001849.4(COL6A2):c.2536G>A (p.Glu846Lys)

Gene: COL6A2 (collagen type VI alpha 2 chain; plus strand). Cytogenetic location: 21q22.3.
Variant type: single nucleotide variant.
Coding change: c.2536G>A on transcript NM_001849.4 (MANE Select); coding-DNA position 2536, G replaced by A.
Protein change: p.Glu846Lys; replaces glutamic acid 846 with lysine.
Molecular consequence: missense variant.
Genome position (GRCh38, 1-based): chr21:46,132,028, G>A. VCF-style: chr21-46132028-G-A. GRCh37 (hg19) VCF-style: chr21-47551942-G-A.
Other names: short protein forms E846K.
Identifiers: ClinVar variation 282390 (VCV000282390.19), dbSNP rs772005975, ClinGen allele CA10072920.

ClinVar aggregate classification (germline): Conflicting classifications of pathogenicity. Review status: criteria provided, conflicting classifications (1 of 4 stars). 4 submissions from 4 submitters: Uncertain significance (3); Likely benign (1). Last evaluated 2026-02-01.

Conditions:
Bethlem myopathy 1A. Also called: Bethlem myopathy 1; MYOPATHY, BENIGN CONGENITAL, WITH CONTRACTURES; Bethlem Muscular Dystrophy. Identifiers: Orphanet 610, MedGen CN029274, MONDO:0024530, OMIM 158810.

Allele frequency attached by ClinVar (database versions not stated): gnomAD 0.00003 and 0.00004; TOPMed 0.00003; ExAC 0.00004; gnomAD exomes 0.00004 and 0.00006.
gnomAD v4.1: 100 of 1,608,818 alleles (0.0062%); highest among the groups gnomAD compares: East Asian, 0.025%; no homozygotes.

Submissions (4):

Labcorp Genetics (formerly Invitae), Labcorp
Classification: Likely benign for Bethlem myopathy 1A. Last evaluated: 2026-02-01. Review status: criteria provided, single submitter. Criteria: Invitae Variant Classification Sherloc (09022015). Collection method: clinical testing. Allele origin: germline.

GeneDx
Classification: Uncertain significance. Last evaluated: 2024-12-12. Review status: criteria provided, single submitter. Criteria: GeneDx Variant Classification Process June 2021. Collection method: clinical testing. Allele origin: germline. Affected: yes.
Comment: Observed in the heterozygous state in an individual with limb-girdle muscular dystrophy (PMID: 30564623); In silico analysis indicates that this missense variant does not alter protein structure/function; This variant is associated with the following publications: (PMID: 27335277, 30564623)

Revvity Omics, Revvity
Classification: Uncertain significance. Last evaluated: 2024-10-03. Review status: criteria provided, single submitter. Criteria: ACMG Guidelines, 2015. Collection method: clinical testing. Allele origin: germline.

Eurofins Ntd Llc (ga)
Classification: Uncertain significance. Last evaluated: 2015-08-04. Review status: criteria provided, single submitter. Criteria: EGL Classification Definitions 2015. Collection method: clinical testing. Allele origin: germline. Observed: 3 variant alleles, 3 heterozygotes.